The following is an entry in ClinVar:

NM_022356.4(P3H1):c.730G>A (p.Ala244Thr)

Gene: P3H1 (prolyl 3-hydroxylase 1; minus strand). Cytogenetic location: 1p34.2.
Variant type: single nucleotide variant.
Coding change: c.730G>A on transcript NM_022356.4 (MANE Select); coding-DNA position 730, G replaced by A.
Protein change: p.Ala244Thr; replaces alanine 244 with threonine.
Molecular consequence: missense variant.
Genome position (GRCh38, 1-based): chr1:42,759,279, C>T on the plus strand (G>A on the coding strand, the complement: P3H1 is on the minus strand). VCF-style: chr1-42759279-C-T. GRCh37 (hg19) VCF-style: chr1-43224950-C-T.
Other names: c.730G>A, p.Ala244Thr (NM_001146289.2, NM_001243246.2); short protein forms A244T.
Identifiers: ClinVar variation 2200809 (VCV002200809.3), dbSNP rs2524472621, ClinGen allele CA339959897.

ClinVar aggregate classification (germline): Uncertain significance (1 of 4 stars; one submission).

Conditions:
Osteogenesis imperfecta type 8 (OI8). Identifiers: MedGen C1970458, MONDO:0012581, OMIM 610915.

Allele frequency attached by ClinVar (database versions not stated): gnomAD exomes below 0.00001.

Submission:

Labcorp Genetics (formerly Invitae), Labcorp
Classification: Uncertain significance for Osteogenesis imperfecta type 8. Last evaluated: 2024-11-18. Review status: criteria provided, single submitter. Criteria: Invitae Variant Classification Sherloc (09022015). Collection method: clinical testing. Allele origin: germline.
Comment: This sequence change replaces alanine, which is neutral and non-polar, with threonine, which is neutral and polar, at codon 244 of the P3H1 protein (p.Ala244Thr). This variant is not present in population databases (gnomAD no frequency). This variant has not been reported in the literature in individuals affected with P3H1-related conditions. ClinVar contains an entry for this variant (Variation ID: 2200809). Invitae Evidence Modeling of protein sequence and biophysical properties (such as structural, functional, and spatial information, amino acid conservation, physicochemical variation, residue mobility, and thermodynamic stability) indicates that this missense variant is not expected to disrupt P3H1 protein function with a negative predictive value of 80%. In summary, the available evidence is currently insufficient to determine the role of this variant in disease. Therefore, it has been classified as a Variant of Uncertain Significance.